The following is an entry in ClinVar:

NM_005422.4(TECTA):c.5540C>T (p.Ser1847Phe)

Genes: TBCEL-TECTA (TBCEL-TECTA readthrough; plus strand), TECTA (tectorin alpha; plus strand). Cytogenetic location: 11q23.3.
Variant type: single nucleotide variant.
Coding change: c.5540C>T on transcript NM_005422.4 (MANE Select); coding-DNA position 5540, C replaced by T.
Protein change: p.Ser1847Phe; replaces serine 1847 with phenylalanine.
Molecular consequence: missense variant.
Genome position (GRCh38, 1-based): chr11:121,166,734, C>T. VCF-style: chr11-121166734-C-T. GRCh37 (hg19) VCF-style: chr11-121037443-C-T.
Other names: c.6482C>T, p.Ser2161Phe (NM_001378761.1); short protein forms S1847F, S2161F.
Identifiers: ClinVar variation 513747 (VCV000513747.1), dbSNP rs1198141646, ClinGen allele CA383034761.

ClinVar aggregate classification (germline): Likely benign (1 of 4 stars; one submission).

Allele frequency attached by ClinVar (database versions not stated): gnomAD exomes below 0.00001; TOPMed 0.00001; gnomAD 0.00002.
gnomAD v4.1: 10 of 1,614,052 alleles (0.00062%); highest among the groups gnomAD compares: East Asian, 0.0022%; no homozygotes.

Submission:

GeneDx
Classification: Likely benign. Last evaluated: 2017-12-21. Review status: criteria provided, single submitter. Criteria: GeneDx Variant Classification (06012015). Collection method: clinical testing. Allele origin: germline. Affected: yes.
Comment: This variant is considered likely benign or benign based on one or more of the following criteria: it is a conservative change, it occurs at a poorly conserved position in the protein, it is predicted to be benign by multiple in silico algorithms, and/or has population frequency not consistent with disease.